The following is an entry in ClinVar:

ClinVar aggregate classification (germline): Pathogenic (1 of 4 stars; one submission).

Conditions:
Renal cysts and diabetes syndrome (RCAD). Also called: Familial hypoplastic, glomerulocystic kidney; MATURITY-ONSET DIABETES OF THE YOUNG, TYPE 5. Identifiers: Orphanet 93111, MedGen C0431693, MONDO:0007669, OMIM 137920.

Submission:

Institute of Human Genetics, FAU Erlangen, Friedrich-Alexander-Universität Erlangen-Nürnberg
Classification: Pathogenic for Renal cysts and diabetes syndrome. Last evaluated: 2019-07-06. Review status: criteria provided, single submitter. Criteria: ACMG Guidelines, 2015. Collection method: literature only. Allele origin: germline. Affected: yes.
Comment: This variant and it's classification has been reported by Vasileiou et al. 2019; DOI:10.1101/576918. The variants has previously been reported in PMID:19389850; PMID:25700310; PMID:15930087; PMID:25536396 as "c.972_973delCA, His324Ser325fsdelCA; c.972_973delCA, c.1166_1167delCA; c.972_973delCA" with clinical significance Pathogenic. It has been re-classified using InterVar and manual curation as Pathogenic based on PVS1 PM2 PP3.

Literature cited by the submitters: PubMed 19389850; PubMed 25700310; PubMed 15930087; PubMed 25536396; DOI 10.1101/576918.

NM_000458.4(HNF1B):c.972_973del (p.His324fs)

Gene: HNF1B (HNF1 homeobox B; minus strand). Cytogenetic location: 17q12.
Variant type: Microsatellite.
Coding change: c.972_973del on transcript NM_000458.4 (MANE Select); coding-DNA positions 972 to 973, 2 bases deleted (CA; older notation c.972_973delCA).
Protein change: p.His324fs; shifts the reading frame from histidine 324.
Molecular consequence: frameshift variant.
Genome position (GRCh38, 1-based): chr17:37,731,667-37,731,668, TG deleted on the plus strand (CA on the coding strand, the reverse complement: HNF1B is on the minus strand); deleting any 2 consecutive bases within chr17:37,731,667-37,731,670 gives the same sequence; the c. name uses the placement nearest the transcript's 3' end. VCF-style (leftmost placement, unchanged base first): chr17-37731666-CTG-C. GRCh37 (hg19) VCF-style: chr17-36091657-CTG-C.
Other names: c.894_895del, p.His298fs (NM_001165923.4, NM_001304286.2); short protein forms H324fs, H298fs.
Identifiers: ClinVar variation 635620 (VCV000635620.1), dbSNP rs2511800921, ClinGen allele CA913190770.